The following is an entry in ClinVar:

NM_000101.4(CYBA):c.472_484del (p.Pro160fs)

Gene: CYBA (cytochrome b-245 alpha chain; minus strand). Cytogenetic location: 16q24.2.
Variant type: Deletion.
Coding change: c.472_484del on transcript NM_000101.4 (MANE Select); coding-DNA positions 472 to 484, 13 bases deleted (CGGCCCCCGGCCG).
Protein change: p.Pro160fs; shifts the reading frame from proline 160.
Molecular consequence: frameshift variant.
Genome position (GRCh38, 1-based): chr16:88,643,457-88,643,469, CGGCCGGGGGCCG deleted on the plus strand (CGGCCCCCGGCCG on the coding strand, the reverse complement: CYBA is on the minus strand); deleting any 13 consecutive bases within chr16:88,643,457-88,643,473 gives the same sequence; the c. name uses the placement nearest the transcript's 3' end. VCF-style (leftmost placement, unchanged base first): chr16-88643456-TCGGCCGGGGGCCG-T. GRCh37 (hg19) VCF-style: chr16-88709864-TCGGCCGGGGGCCG-T.
Other names: c.472_484del13 (NM_000101.4); c.472_484delCGGCCCCCGGCCG (NM_000101.3); short protein forms P160fs.
Identifiers: ClinVar variation 1494695 (VCV001494695.13), dbSNP rs1272232395, ClinGen allele CA624448080.

ClinVar aggregate classification (germline): Pathogenic/Likely pathogenic. Review status: criteria provided, multiple submitters, no conflicts (2 of 4 stars). 4 submissions from 4 submitters: Pathogenic (2); Likely pathogenic (2). Last evaluated 2025-09-15.

Conditions:
Chronic granulomatous disease. Identifiers: Orphanet 379, MedGen C0018203, MONDO:0018305.
Granulomatous disease, chronic, autosomal recessive, cytochrome b-negative. Also called: Chronic granulomatous disease, autosomal, due to deficiency of CYBA; CGD DUE TO DEFICIENCY OF THE ALPHA SUBUNIT OF CYTOCHROME b; CGD, AUTOSOMAL RECESSIVE CYTOCHROME b-NEGATIVE; CYBA DEFICIENCY; GRANULOMATOUS DISEASE, CHRONIC, AUTOSOMAL RECESSIVE, 4. Identifiers: Orphanet 379, MedGen C1856255, MONDO:0009308, OMIM 233690.

Submissions (4):

Labcorp Genetics (formerly Invitae), Labcorp
Classification: Pathogenic for Granulomatous disease, chronic, autosomal recessive, cytochrome b-negative. Last evaluated: 2025-09-15. Review status: criteria provided, single submitter. Criteria: Invitae Variant Classification Sherloc (09022015). Collection method: clinical testing. Allele origin: germline.
Comment: This sequence change creates a premature translational stop signal (p.Pro160Alafs*27) in the CYBA gene. While this is not anticipated to result in nonsense mediated decay, it is expected to disrupt the last 36 amino acid(s) of the CYBA protein. This variant is present in population databases (no rsID available, gnomAD 0.02%). This premature translational stop signal has been observed in individual(s) with chronic granulomatous disease (PMID: 20167518, 34547651; external communication, internal data). In at least one individual the data is consistent with being in trans (on the opposite chromosome) from a pathogenic variant. It has also been observed to segregate with disease in related individuals. ClinVar contains an entry for this variant (Variation ID: 1494695). This variant disrupts the C-terminus of the CYBA protein. Other variant(s) that disrupt this region (p.Lys166Argfs*17) have been observed in individuals with CYBA-related conditions (PMID: 30716179). This suggests that this may be a clinically significant region of the protein. For these reasons, this variant has been classified as Pathogenic.

Women's Health and Genetics/Laboratory Corporation of America, LabCorp
Classification: Pathogenic for Chronic granulomatous disease. Last evaluated: 2025-04-16. Review status: criteria provided, single submitter. Criteria: LabCorp Variant Classification Summary - May 2015. Collection method: clinical testing. Allele origin: germline.
Comment: Variant summary: CYBA c.472_484del13 (p.Pro160AlafsX27), located in the last exon (exon 6) results in a premature termination codon, predicted to cause a truncation of the encoded protein. Other variant(s) that disrupt the C-terminus region of CYBA (p.Lys166Argfs*17) have been observed in individuals with CYBA-related conditions (PMID: 30716179), thereby supporting a critical relevance to protein function. The variant allele was found at a frequency of 1.6e-05 in 127968 control chromosomes. c.472_484del13 has been observed as a biallelic genotype in individuals affected with Chronic Granulomatous Disease (Roos_2021, Internal testing). These data indicate that the variant is very likely to be associated with disease. To our knowledge, no experimental evidence demonstrating an impact on protein function has been reported. The following publications have been ascertained in the context of this evaluation (PMID: 34547651). ClinVar contains an entry for this variant (Variation ID: 1494695). Based on the evidence outlined above, the variant was classified as pathogenic.

Natera, Inc.
Classification: Likely pathogenic for Chronic granulomatous disease. Last evaluated: 2024-10-03. Review status: criteria provided, single submitter. Criteria: Natera Variant Classification Schema (03/2026). Collection method: clinical testing. Allele origin: germline.
Comment: The c.472_484delCGGCCCCCGGCCG variant in CYBA is a frameshift variant predicted to shift the reading frame beginning at codon 160 and leads to a stop codon 27 codons downstream. This variant is expected to result in nonsense mediated decay, truncation, or a dysfunctional protein product. This variant is rare in the general population with a frequency below the threshold expected for the associated phenotype(s). Given the available evidence, this variant is classified as Likely Pathogenic.

Fulgent Genetics
Classification: Likely pathogenic for Granulomatous disease, chronic, autosomal recessive, cytochrome b-negative. Last evaluated: 2024-06-23. Review status: criteria provided, single submitter. Criteria: ACMG Guidelines, 2015. Collection method: clinical testing. Allele origin: germline.

Literature cited by the submitters: PubMed 20167518 (cited by Labcorp Genetics (formerly Invitae), Labcorp); PubMed 34547651 (cited by Labcorp Genetics (formerly Invitae), Labcorp and Women's Health and Genetics/Laboratory Corporation of America, LabCorp); PubMed 30716179 (cited by Labcorp Genetics (formerly Invitae), Labcorp).